The following is an entry in ClinVar:

NM_014956.5(CEP164):c.3304C>T (p.Leu1102Phe)

Gene: CEP164 (centrosomal protein 164; plus strand). Cytogenetic location: 11q23.3.
Variant type: single nucleotide variant.
Coding change: c.3304C>T on transcript NM_014956.5 (MANE Select); coding-DNA position 3304, C replaced by T.
Protein change: p.Leu1102Phe; replaces leucine 1102 with phenylalanine.
Molecular consequence: missense variant.
Genome position (GRCh38, 1-based): chr11:117,397,116, C>T. VCF-style: chr11-117397116-C-T. GRCh37 (hg19) VCF-style: chr11-117267832-C-T.
Other names: c.3313C>T, p.Leu1105Phe (NM_001271933.2); short protein forms L1105F, L1102F.
Identifiers: ClinVar variation 1442423 (VCV001442423.8), dbSNP rs1307328675, ClinGen allele CA382735348.

ClinVar aggregate classification (germline): Uncertain significance (1 of 4 stars; one submission).

Conditions:
Nephronophthisis 15 (NPHP15). Identifiers: Orphanet 3156, MedGen C3541853, MONDO:0013917, OMIM 614845.

Allele frequency attached by ClinVar (database versions not stated): gnomAD exomes below 0.00001; gnomAD 0.00001.
gnomAD v4.1: 2 of 1,614,030 alleles (0.00012%); highest among the groups gnomAD compares: Non-Finnish European, 0.00017%; no homozygotes.

Submission:

Labcorp Genetics (formerly Invitae), Labcorp
Classification: Uncertain significance for Nephronophthisis 15. Last evaluated: 2022-10-04. Review status: criteria provided, single submitter. Criteria: Invitae Variant Classification Sherloc (09022015). Collection method: clinical testing. Allele origin: germline.
Comment: This variant is present in population databases (no rsID available, gnomAD 0.0009%). This sequence change replaces leucine, which is neutral and non-polar, with phenylalanine, which is neutral and non-polar, at codon 1102 of the CEP164 protein (p.Leu1102Phe). This variant has not been reported in the literature in individuals affected with CEP164-related conditions. ClinVar contains an entry for this variant (Variation ID: 1442423). Advanced modeling of protein sequence and biophysical properties (such as structural, functional, and spatial information, amino acid conservation, physicochemical variation, residue mobility, and thermodynamic stability) performed at Invitae indicates that this missense variant is not expected to disrupt CEP164 protein function. In summary, the available evidence is currently insufficient to determine the role of this variant in disease. Therefore, it has been classified as a Variant of Uncertain Significance.